The following is an entry in ClinVar:

ClinVar aggregate classification (germline): Pathogenic (1 of 4 stars; one submission).

Conditions:
X-linked agammaglobulinemia with growth hormone deficiency (IGHD3). Also called: FLEISHER SYNDROME; HYPOGAMMAGLOBULINEMIA AND ISOLATED GROWTH HORMONE DEFICIENCY, X-LINKED; IGHD III; AGAMMAGLOBULINEMIA AND ISOLATED GROWTH HORMONE DEFICIENCY, X-LINKED; Isolated growth hormone deficiency type 3; Growth hormone deficiency with hypogammaglobulinemia. Identifiers: Orphanet 231692, Orphanet 631, MedGen C0472813, MONDO:0010615, OMIM 307200.

Submissions (2):

Labcorp Genetics (formerly Invitae), Labcorp
Classification: Pathogenic for X-linked agammaglobulinemia with growth hormone deficiency. Last evaluated: 2022-06-08. Review status: criteria provided, single submitter. Criteria: Invitae Variant Classification Sherloc (09022015). Collection method: clinical testing. Allele origin: germline.
Comment: For these reasons, this variant has been classified as Pathogenic. Algorithms developed to predict the effect of sequence changes on RNA splicing suggest that this variant may disrupt the consensus splice site. This variant is also known as IVS11+1G>A. Disruption of this splice site has been observed in individuals with BTK-related conditions (PMID: 12768435, 19904586). This variant is not present in population databases (gnomAD no frequency). This sequence change affects a donor splice site in intron 11 of the BTK gene. It is expected to disrupt RNA splicing. Variants that disrupt the donor or acceptor splice site typically lead to a loss of protein function (PMID: 16199547), and loss-of-function variants in BTK are known to be pathogenic (PMID: 15661032, 16862044, 19419768).

Dr. Peter K. Rogan Lab, Western University
No classification provided (evidence only). Condition: Thyroid cancer, nonmedullary, 1. Review status: no classification provided. Collection method: in vitro. Allele origin: not applicable. Functional consequence: retained intron. Not counted in ClinVar's aggregate classification.

Literature cited by the submitters: PubMed 12768435 (cited by Labcorp Genetics (formerly Invitae), Labcorp); PubMed 19904586 (cited by Labcorp Genetics (formerly Invitae), Labcorp); PubMed 16199547 (cited by Labcorp Genetics (formerly Invitae), Labcorp); PubMed 15661032 (cited by Labcorp Genetics (formerly Invitae), Labcorp); PubMed 16862044 (cited by Labcorp Genetics (formerly Invitae), Labcorp); PubMed 19419768 (cited by Labcorp Genetics (formerly Invitae), Labcorp).

NM_000061.3(BTK):c.974+1G>A

Gene: BTK (Bruton tyrosine kinase; minus strand). Cytogenetic location: Xq22.1.
Variant type: single nucleotide variant.
Coding change: c.974+1G>A on transcript NM_000061.3 (MANE Select); the canonical splice donor site of the intron after coding-DNA position 974, G replaced by A.
Molecular consequence: splice donor variant.
Genome position (GRCh38, 1-based): chrX:101,358,616, C>T on the plus strand (G>A on the coding strand, the complement: BTK is on the minus strand). VCF-style: chrX-101358616-C-T. GRCh37 (hg19) VCF-style: chrX-100613604-C-T.
Other names: c.1076+1G>A (NM_001287344.2); c.974+1G>A (NM_001287345.2).
Identifiers: ClinVar variation 2138652 (VCV002138652.5), dbSNP rs2520573356, ClinGen allele CA413928697.